The following is an entry in ClinVar:

ClinVar aggregate classification (germline): Uncertain significance. Review status: criteria provided, multiple submitters, no conflicts (2 of 4 stars). 2 submissions from 2 submitters: Uncertain significance (2). Last evaluated 2026-07-07.

Conditions:
Hereditary cancer-predisposing syndrome. Also called: Tumor predisposition; Hereditary Cancer Syndrome; Hereditary neoplastic syndrome; Neoplastic Syndromes, Hereditary. Identifiers: Orphanet 140162, MedGen C0027672, MeSH D009386, MONDO:0015356.

Submissions (2):

Ambry Genetics
Classification: Uncertain significance for Hereditary cancer-predisposing syndrome. Last evaluated: 2026-07-07. Review status: criteria provided, single submitter. Criteria: Ambry Variant Classification Scheme 2023. Collection method: clinical testing. Allele origin: germline.
Comment: The p.I363T variant (also known as c.1088T>C), located in coding exon 8 of the CDH1 gene, results from a T to C substitution at nucleotide position 1088. The isoleucine at codon 363 is replaced by threonine, an amino acid with similar properties. This amino acid position is conserved. In addition, this alteration is predicted to be deleterious by in silico analysis. Based on the available evidence, the clinical significance of this variant remains unclear.

GeneDx
Classification: Uncertain significance. Last evaluated: 2024-06-09. Review status: criteria provided, single submitter. Criteria: GeneDx Variant Classification Process June 2021. Collection method: clinical testing. Allele origin: germline. Affected: yes.
Comment: Not observed at significant frequency in large population cohorts (gnomAD); In silico analysis supports that this missense variant has a deleterious effect on protein structure/function; Has not been previously published as pathogenic or benign to our knowledge; This variant is associated with the following publications: (PMID: 15235021, 22850631)

NM_004360.5(CDH1):c.1088T>C (p.Ile363Thr)

Gene: CDH1 (cadherin 1; plus strand). Cytogenetic location: 16q22.1.
Variant type: single nucleotide variant.
Coding change: c.1088T>C on transcript NM_004360.5 (MANE Select); coding-DNA position 1088, T replaced by C.
Protein change: p.Ile363Thr; replaces isoleucine 363 with threonine.
Molecular consequence: missense variant. On other transcripts: 5 prime UTR variant (2).
Genome position (GRCh38, 1-based): chr16:68,812,214, T>C. VCF-style: chr16-68812214-T-C. GRCh37 (hg19) VCF-style: chr16-68846117-T-C.
Other names: c.1088T>C, p.Ile363Thr (NM_001317184.2); c.-528T>C (NM_001317185.2); c.-732T>C (NM_001317186.2); short protein forms I363T.
Identifiers: ClinVar variation 3384333 (VCV003384333.2).